The following is an entry in ClinVar:

ClinVar aggregate classification (germline): Benign. Review status: criteria provided, multiple submitters, no conflicts (2 of 4 stars). 12 submissions from 11 submitters: Benign (9). 3 of the submissions do not count toward it. Last evaluated 2026-06-17.

Conditions:
Myeloproliferative neoplasm, unclassifiable. Identifiers: Orphanet 86830, MedGen C1333046, MONDO:0019452.
Polyps, multiple and recurrent inflammatory fibroid, gastrointestinal. Identifiers: MedGen C5193005, MONDO:0008285, OMIM 175510.
Hereditary cancer-predisposing syndrome. Also called: Hereditary Cancer Syndrome; Tumor predisposition; Neoplastic Syndromes, Hereditary; Hereditary neoplastic syndrome. Identifiers: Orphanet 140162, MedGen C0027672, MeSH D009386, MONDO:0015356.
Gastrointestinal stromal tumor. Also called: Gastrointestinal stromal tumor, somatic; Gastrointestinal stroma tumor. Identifiers: Orphanet 44890, MedGen C0238198, MeSH D046152, MONDO:0011719, OMIM 606764, HP:0100723.
Idiopathic hypereosinophilic syndrome (HES). Identifiers: Orphanet 3260, MedGen C0206141, MONDO:0011895, OMIM 607685. Disease mechanism: gain of function.

Allele frequency attached by ClinVar (database versions not stated): ExAC 0.15156; gnomAD 0.15258 and 0.15501; gnomAD exomes 0.12185 and 0.15429; 1000 Genomes Project 30x 0.20472; TOPMed 0.16271; ESP Exome Variant Server 0.14432; 1000 Genomes Project 0.19928.
gnomAD v4.1: 201,411 of 1,613,404 alleles (12%); highest among the groups gnomAD compares: Admixed American, 26%; 14,579 homozygotes.

Submissions (12):

Myriad Genetics, Inc.
Classification: Benign for Polyps, multiple and recurrent inflammatory fibroid, gastrointestinal. Last evaluated: 2026-06-17. Review status: criteria provided, single submitter. Criteria: Myriad Autosomal Dominant, Autosomal Recessive and X-Linked Classification Criteria (2023). Collection method: clinical testing. Allele origin: unknown.
Comment: This variant is considered benign. This variant has been observed at a population frequency that is significantly greater than expected given the associated disease prevalence and penetrance.

Labcorp Genetics (formerly Invitae), Labcorp
Classification: Benign for Gastrointestinal stromal tumor. Last evaluated: 2026-02-04. Review status: criteria provided, single submitter. Criteria: Invitae Variant Classification Sherloc (09022015). Collection method: clinical testing. Allele origin: germline.

Mayo Clinic Laboratories, Mayo Clinic
Classification: Benign. Last evaluated: 2022-04-26. Review status: criteria provided, single submitter. Criteria: ACMG Guidelines, 2015. Collection method: clinical testing. Allele origin: germline. Observed: 117 variant alleles.

Ambry Genetics
Classification: Benign for Hereditary cancer-predisposing syndrome. Last evaluated: 2019-05-08. Review status: criteria provided, single submitter. Criteria: Ambry Variant Classification Scheme 2023. Collection method: clinical testing. Allele origin: germline.

GeneDx
Classification: Benign. Last evaluated: 2018-06-22. Review status: criteria provided, single submitter. Criteria: GeneDx Variant Classification Process June 2021. Collection method: clinical testing. Allele origin: germline. Affected: yes.

Illumina Laboratory Services, Illumina
Classification: Benign for Gastrointestinal stromal tumor. Last evaluated: 2018-01-13. Review status: criteria provided, single submitter. Criteria: ICSL Variant Classification Criteria 13 December 2019. Collection method: clinical testing. Allele origin: germline.
Comment: This variant was observed in the ICSL laboratory as part of a predisposition screen in an ostensibly healthy population. It had not been previously curated by ICSL or reported in the Human Gene Mutation Database (HGMD: prior to June 1st, 2018), and was therefore a candidate for classification through an automated scoring system. Utilizing variant allele frequency, disease prevalence and penetrance estimates, and inheritance mode, an automated score was calculated to assess if this variant is too frequent to cause the disease. Based on the score and internal cut-off values, a variant classified as benign is not then subjected to further curation. The score for this variant resulted in a classification of benign for this disease.

Illumina Laboratory Services, Illumina
Classification: Benign for Idiopathic hypereosinophilic syndrome. Last evaluated: 2018-01-13. Review status: criteria provided, single submitter. Criteria: ICSL Variant Classification Criteria 13 December 2019. Collection method: clinical testing. Allele origin: germline.
Comment: the same text as in the submission from Illumina Laboratory Services, Illumina above.

Breakthrough Genomics
Classification: Benign. Review status: criteria provided, single submitter. Criteria: ACMG Guidelines, 2015. Collection method: not provided. Allele origin: germline. Inheritance: Autosomal dominant inheritance. Affected: yes.

PreventionGenetics, part of Exact Sciences
Classification: Benign. Review status: criteria provided, single submitter. Criteria: ACMG Guidelines, 2015. Collection method: clinical testing. Allele origin: germline.

ITMI
No classification provided. Condition: AllHighlyPenetrant. Last evaluated: 2013-09-19. Review status: no classification provided. Collection method: reference population. Allele origin: germline. Not counted in ClinVar's aggregate classification.
Comment: Please see associated publication for description of ethnicities

Biesecker Lab/Clinical Genomics Section, National Institutes of Health
Classification: Benign. Last evaluated: 2012-07-13. Review status: no assertion criteria provided. Collection method: research. Allele origin: germline. Affected: no. Observed: 103 variant alleles. Study: ClinSeq. Not counted in ClinVar's aggregate classification.
ClinVar note: Converted during submission from no known pathogenicity to Benign.

Dept. of Cytogenetics, ICMR- National Institute of Immunohaematology
Classification: Likely pathogenic for Myeloproliferative neoplasm, unclassifiable. Last evaluated: 2022-08-25. Review status: flagged submission. Criteria: Oncogenicity SOP (ClinGen, CGC, VICC guidelines) 2022. Collection method: clinical testing. Allele origin: somatic. Affected: yes. Observed: 18 variant alleles. Not counted in ClinVar's aggregate classification.
ClinVar note: Reason: Outlier claim with insufficient supporting evidence

Literature cited by the submitters: PubMed 24728327 (cited by ITMI).

NM_006206.6(PDGFRA):c.1432T>C (p.Ser478Pro)

Gene: PDGFRA (platelet derived growth factor receptor alpha; plus strand). Cytogenetic location: 4q12.
Variant type: single nucleotide variant.
Coding change: c.1432T>C on transcript NM_006206.6 (MANE Select); coding-DNA position 1432, T replaced by C.
Protein change: p.Ser478Pro; replaces serine 478 with proline.
Molecular consequence: missense variant.
Genome position (GRCh38, 1-based): chr4:54,273,604, T>C. VCF-style: chr4-54273604-T-C. GRCh37 (hg19) VCF-style: chr4-55139771-T-C.
Other names: c.1432T>C, p.Ser478Pro (NM_001347827.2, NM_001347829.2); c.1507T>C, p.Ser503Pro (NM_001347828.2); c.1471T>C, p.Ser491Pro (NM_001347830.2); short protein forms S478P, S491P, S503P.
Identifiers: ClinVar variation 41794 (VCV000041794.27), dbSNP rs35597368, ClinGen allele CA161393.